The following is an entry in ClinVar:

NM_000722.4(CACNA2D1):c.1405A>G (p.Ile469Val)

Gene: CACNA2D1 (calcium voltage-gated channel auxiliary subunit alpha2delta 1; minus strand). Cytogenetic location: 7q21.11.
Variant type: single nucleotide variant.
Coding change: c.1405A>G on transcript NM_000722.4 (MANE Select); coding-DNA position 1405, A replaced by G.
Protein change: p.Ile469Val; replaces isoleucine 469 with valine.
Molecular consequence: missense variant.
Genome position (GRCh38, 1-based): chr7:82,007,714, T>C on the plus strand (A>G on the coding strand, the complement: CACNA2D1 is on the minus strand). VCF-style: chr7-82007714-T-C. GRCh37 (hg19) VCF-style: chr7-81637030-T-C.
Other names: c.1405A>G, p.Ile469Val (NM_001366867.1); c.1405A>G (NM_000722.2); short protein forms I469V.
Identifiers: ClinVar variation 1044068 (VCV001044068.8), dbSNP rs139439725, ClinGen allele CA4318056.

ClinVar aggregate classification (germline): Conflicting classifications of pathogenicity. Review status: criteria provided, conflicting classifications (1 of 4 stars). 2 submissions from 2 submitters: Uncertain significance (1); Likely benign (1). Last evaluated 2025-12-09.

Conditions:
Brugada syndrome. Also called: Sudden Unexplained Death Syndrome; Sudden Unexplained Nocturnal Death Syndrome (SUNDS); Sudden unexplained nocturnal death syndrome; Sudden unexpected nocturnal death syndrome. Identifiers: Orphanet 130, MedGen C1142166, MONDO:0015263.
Cardiovascular phenotype. Identifiers: MedGen CN230736.

Allele frequency attached by ClinVar (database versions not stated): gnomAD exomes 0.00010 and 0.00016; ExAC 0.00019; 1000 Genomes Project 30x 0.00031; 1000 Genomes Project 0.00040; TOPMed 0.00003; ESP Exome Variant Server 0.00008; gnomAD 0.00026 and 0.00027.
gnomAD v4.1: 190 of 1,600,974 alleles (0.012%); highest among the groups gnomAD compares: Non-Finnish European, 0.0052%; 1 homozygote.

Submissions (2):

Labcorp Genetics (formerly Invitae), Labcorp
Classification: Uncertain significance for Brugada syndrome. Last evaluated: 2025-12-09. Review status: criteria provided, single submitter. Criteria: Invitae Variant Classification Sherloc (09022015). Collection method: clinical testing. Allele origin: germline.
Comment: This sequence change replaces isoleucine, which is neutral and non-polar, with valine, which is neutral and non-polar, at codon 469 of the CACNA2D1 protein (p.Ile469Val). This variant is present in population databases (rs139439725, gnomAD 0.1%), and has an allele count higher than expected for a pathogenic variant. This variant has not been reported in the literature in individuals affected with CACNA2D1-related conditions. ClinVar contains an entry for this variant (Variation ID: 1044068). An algorithm developed to predict the effect of missense changes on protein structure and function outputs the following: PolyPhen-2: "Benign". The valine amino acid residue is found in multiple mammalian species, which suggests that this missense change does not adversely affect protein function. In summary, the available evidence is currently insufficient to determine the role of this variant in disease. Therefore, it has been classified as a Variant of Uncertain Significance.

Ambry Genetics
Classification: Likely benign for Cardiovascular phenotype. Last evaluated: 2024-05-23. Review status: criteria provided, single submitter. Criteria: Ambry Variant Classification Scheme 2023. Collection method: clinical testing. Allele origin: germline.